The following is an entry in ClinVar:

ClinVar aggregate classification (germline): Likely pathogenic. Review status: criteria provided, multiple submitters, no conflicts (2 of 4 stars). 3 submissions from 3 submitters: Likely pathogenic (3). Last evaluated 2025-04-03.

Conditions:
Wilson disease (WND). Also called: Wilson's disease. Identifiers: Orphanet 905, MedGen C0019202, MONDO:0010200, OMIM 277900. Disease mechanism: loss of function.

Allele frequency attached by ClinVar (database versions not stated): gnomAD 0.00001.

Submissions (3):

Natera, Inc.
Classification: Likely pathogenic for Wilson disease. Last evaluated: 2025-04-03. Review status: criteria provided, single submitter. Criteria: Natera Variant Classification Schema (03/2026). Collection method: clinical testing. Allele origin: germline.
Comment: The c.3282C>G variant in ATP7B is a missense variant predicted to cause substitution of phenylalanine to leucine at amino acid 1094. This variant is rare in the general population with a frequency below the threshold expected for the associated phenotype(s). This variant has been observed in one or more individuals affected with the associated recessive disease, as either homozygous or compound heterozygous with a second variant (PMID: 15024742, 35758105). This variant has been identified in one or more affected individuals with a phenotype highly consistent with the associated gene (PMID: 15024742). Computational prediction algorithms indicate this variant is likely to affect gene or protein function. Given the available evidence, this variant is classified as Likely Pathogenic.

Baylor Genetics
Classification: Likely pathogenic for Wilson disease. Last evaluated: 2023-06-13. Review status: criteria provided, single submitter. Criteria: ACMG Guidelines, 2015. Collection method: clinical testing. Allele origin: unknown.

Labcorp Genetics (formerly Invitae), Labcorp
Classification: Likely pathogenic for Wilson disease. Last evaluated: 2021-02-24. Review status: criteria provided, single submitter. Criteria: Invitae Variant Classification Sherloc (09022015). Collection method: clinical testing. Allele origin: germline.
Comment: This sequence change replaces phenylalanine with leucine at codon 1094 of the ATP7B protein (p.Phe1094Leu). The phenylalanine residue is moderately conserved and there is a small physicochemical difference between phenylalanine and leucine. In summary, the currently available evidence indicates that the variant is pathogenic, but additional data are needed to prove that conclusively. Therefore, this variant has been classified as Likely Pathogenic. Advanced modeling of protein sequence and biophysical properties (such as structural, functional, and spatial information, amino acid conservation, physicochemical variation, residue mobility, and thermodynamic stability) performed at Invitae indicates that this missense variant is expected to disrupt ATP7B protein function. This variant has been observed in individual(s) with Wilson disease (PMID: 15024742, Invitae). This variant is not present in population databases (ExAC no frequency).

Literature cited by the submitters: PubMed 15024742 (cited by Natera, Inc. and Labcorp Genetics (formerly Invitae), Labcorp); PubMed 35758105 (cited by Natera, Inc.).

NM_000053.4(ATP7B):c.3282C>G (p.Phe1094Leu)

Gene: ATP7B (ATPase copper transporting beta; minus strand). Cytogenetic location: 13q14.3.
Variant type: single nucleotide variant.
Coding change: c.3282C>G on transcript NM_000053.4 (MANE Select); coding-DNA position 3282, C replaced by G.
Protein change: p.Phe1094Leu; replaces phenylalanine 1094 with leucine.
Molecular consequence: missense variant.
Genome position (GRCh38, 1-based): chr13:51,942,516, G>C on the plus strand (C>G on the coding strand, the complement: ATP7B is on the minus strand). VCF-style: chr13-51942516-G-C. GRCh37 (hg19) VCF-style: chr13-52516652-G-C.
Other names: c.2661C>G, p.Phe887Leu (NM_001005918.3); c.2949C>G, p.Phe983Leu (NM_001243182.2); c.3048C>G, p.Phe1016Leu (NM_001330578.2); c.3030C>G, p.Phe1010Leu (NM_001330579.2); c.3282C>G (NM_000053.3); short protein forms F1010L, F1016L, F983L, F1094L, F887L.
Identifiers: ClinVar variation 1494636 (VCV001494636.10), dbSNP rs1957397703, ClinGen allele CA388028751.